The following is an entry in ClinVar:

ClinVar aggregate classification (germline): Uncertain significance (1 of 4 stars; one submission).

Submission:

Ambry Genetics
Classification: Uncertain significance. Last evaluated: 2021-06-11. Review status: criteria provided, single submitter. Criteria: Ambry Variant Classification Scheme 2023. Collection method: clinical testing. Allele origin: germline.
Comment: The p.E1060K variant (also known as c.3178G>A), located in coding exon 28 of the KIF1B gene, results from a G to A substitution at nucleotide position 3178. The glutamic acid at codon 1060 is replaced by lysine, an amino acid with similar properties. This amino acid position is well conserved in available vertebrate species. In addition, this alteration is predicted to be tolerated by in silico analysis. Since supporting evidence is limited at this time, the clinical significance of this alteration remains unclear.

NM_001365951.3(KIF1B):c.3316G>A (p.Glu1106Lys)

Gene: KIF1B (kinesin family member 1B; plus strand). Cytogenetic location: 1p36.22.
Variant type: single nucleotide variant.
Coding change: c.3316G>A on transcript NM_001365951.3 (MANE Select); coding-DNA position 3316, G replaced by A.
Protein change: p.Glu1106Lys; replaces glutamic acid 1106 with lysine.
Molecular consequence: missense variant.
Genome position (GRCh38, 1-based): chr1:10,337,427, G>A. VCF-style: chr1-10337427-G-A. GRCh37 (hg19) VCF-style: chr1-10397485-G-A.
Other names: c.3316G>A, p.Glu1106Lys (NM_001365952.1); c.3178G>A, p.Glu1060Lys (NM_015074.3); short protein forms E1060K, E1106K.
Identifiers: ClinVar variation 1728499 (VCV001728499.2), dbSNP rs756998231, ClinGen allele CA338340448.